The following is an entry in ClinVar:

ClinVar aggregate classification (germline): Uncertain significance (1 of 4 stars; one submission).

Allele frequency attached by ClinVar (database versions not stated): gnomAD exomes below 0.00001; TOPMed below 0.00001; gnomAD 0.00001 and 0.00003.
gnomAD v4.1: 3 of 1,613,900 alleles (0.00019%); highest among the groups gnomAD compares: Admixed American, 0.0033%; no homozygotes.

Submission:

GeneDx
Classification: Uncertain significance. Last evaluated: 2017-02-23. Review status: criteria provided, single submitter. Criteria: GeneDx Variant Classification (06012015). Collection method: clinical testing. Allele origin: germline. Affected: yes.
Comment: The L1286M variant in the TG gene has not been reported previously as a pathogenic variant, nor as a benign variant, to our knowledge. The L1286M variant is not observed in large population cohorts (Lek et al., 2016; 1000 Genomes Consortium et al., 2015; Exome Variant Server). The L1286M variant is a conservative amino acid substitution, which is not likely to impact secondary protein structure as these residues share similar properties. This substitution occurs at a position that is not conserved. In silico analysis is inconsistent in its predictions as to whether or not the variant is damaging to the protein structure/function. We interpret L1286M as a variant of uncertain significance.

NM_003235.5(TG):c.3856C>A (p.Leu1286Met)

Gene: TG (thyroglobulin; plus strand). Cytogenetic location: 8q24.22.
Variant type: single nucleotide variant.
Coding change: c.3856C>A on transcript NM_003235.5 (MANE Select); coding-DNA position 3856, C replaced by A.
Protein change: p.Leu1286Met; replaces leucine 1286 with methionine.
Molecular consequence: missense variant.
Genome position (GRCh38, 1-based): chr8:132,908,194, C>A. VCF-style: chr8-132908194-C-A. GRCh37 (hg19) VCF-style: chr8-133920439-C-A.
Other names: short protein forms L1286M.
Identifiers: ClinVar variation 423783 (VCV000423783.2), dbSNP rs1064796627, ClinGen allele CA16618602.